The following is an entry in ClinVar:

NM_015137.6(EFR3A):c.996G>A (p.Pro332=)

Gene: EFR3A (EFR3 homolog A; plus strand). Cytogenetic location: 8q24.22.
Variant type: single nucleotide variant.
Coding change: c.996G>A on transcript NM_015137.6 (MANE Select); coding-DNA position 996, G replaced by A.
Protein change: p.Pro332=; no amino-acid change (proline 332 retained).
Molecular consequence: synonymous variant. On other transcripts: non-coding transcript variant (2).
Genome position (GRCh38, 1-based): chr8:131,970,480, G>A. VCF-style: chr8-131970480-G-A. GRCh37 (hg19) VCF-style: chr8-132982727-G-A.
Other names: c.888G>A, p.Pro296= (NM_001323553.2, NM_001323554.2, NM_001323555.2 and 2 more transcripts); c.996G>A, p.Pro332= (NM_001323558.2).
Identifiers: ClinVar variation 3044754 (VCV003044754.2), dbSNP rs376864937, ClinGen allele CA4878929.

ClinVar aggregate classification (germline): Likely benign (0 of 4 stars; one submission).

Conditions:
EFR3A-related disorder. Also called: EFR3A-related condition.

Allele frequency attached by ClinVar (database versions not stated): ExAC 0.00002; gnomAD 0.00005; TOPMed 0.00005; ESP Exome Variant Server 0.00008; gnomAD exomes 0.00008.

Submission:

PreventionGenetics, part of Exact Sciences
Classification: Likely benign for EFR3A-related condition. Last evaluated: 2019-05-31. Review status: no assertion criteria provided. Collection method: clinical testing. Allele origin: germline.
Comment: This variant is classified as likely benign based on ACMG/AMP sequence variant interpretation guidelines (Richards et al. 2015 PMID: 25741868, with internal and published modifications).